The following is an entry in ClinVar:

ClinVar aggregate classification (germline): Benign/Likely benign. Review status: criteria provided, multiple submitters, no conflicts (2 of 4 stars). 7 submissions from 7 submitters: Benign (3); Likely benign (3). 1 of the submissions does not count toward it. Last evaluated 2026-01-27.

Conditions:
COL6A3-related disorder. Also called: COL6A3-related disorders; COL6A3-related condition.
Ullrich congenital muscular dystrophy 1A. Also called: Intermediate COL6-RD; Ullrich congenital muscular dystrophy 1. Identifiers: Orphanet 75840, MedGen C0410179, MONDO:0009681, OMIM 254090.
Bethlem myopathy 1A. Also called: MYOPATHY, BENIGN CONGENITAL, WITH CONTRACTURES; Bethlem Muscular Dystrophy; Bethlem myopathy 1. Identifiers: Orphanet 610, MedGen CN029274, MONDO:0024530, OMIM 158810.
Dystonia 27 (DYT27). Identifiers: Orphanet 464440, MedGen C4225336, MONDO:0014627, OMIM 616411.

Allele frequency attached by ClinVar (database versions not stated): gnomAD exomes 0.00054 and 0.00135; ExAC 0.00172; 1000 Genomes Project 0.00479; gnomAD 0.00556 and 0.00603; 1000 Genomes Project 30x 0.00562; TOPMed 0.00603; ESP Exome Variant Server 0.00654.
gnomAD v4.1: 1,642 of 1,613,448 alleles (0.1%); highest among the groups gnomAD compares: African/African-American, 2%; 15 homozygotes.

Submissions (7):

Labcorp Genetics (formerly Invitae), Labcorp
Classification: Benign for Bethlem myopathy 1A. Last evaluated: 2026-01-27. Review status: criteria provided, single submitter. Criteria: Invitae Variant Classification Sherloc (09022015). Collection method: clinical testing. Allele origin: germline.

Fulgent Genetics
Classification: Likely benign for Bethlem myopathy 1A; Ullrich congenital muscular dystrophy 1A; Dystonia 27. Last evaluated: 2021-08-06. Review status: criteria provided, single submitter. Criteria: ACMG Guidelines, 2015. Collection method: clinical testing. Allele origin: unknown.

Mayo Clinic Laboratories, Mayo Clinic
Classification: Benign. Last evaluated: 2019-07-12. Review status: criteria provided, single submitter. Criteria: ACMG Guidelines, 2015. Collection method: clinical testing. Allele origin: germline. Observed: 4 variant alleles.

GeneDx
Classification: Benign. Last evaluated: 2018-11-08. Review status: criteria provided, single submitter. Criteria: GeneDx Variant Classification Process June 2021. Collection method: clinical testing. Allele origin: germline. Affected: yes.

Center for Pediatric Genomic Medicine, Children's Mercy Hospital and Clinics
Classification: Likely benign. Last evaluated: 2015-09-28. Review status: criteria provided, single submitter. Criteria: ACMG Guidelines, 2015. Collection method: clinical testing. Allele origin: germline.
ClinVar note: Converted during submission from Likely Benign to Likely benign.

Breakthrough Genomics
Classification: Likely benign. Review status: criteria provided, single submitter. Criteria: ACMG Guidelines, 2015. Collection method: not provided. Allele origin: germline. Inheritance: Autosomal recessive inheritance. Affected: yes.

PreventionGenetics, part of Exact Sciences
Classification: Benign for COL6A3-related condition. Last evaluated: 2022-07-07. Review status: no assertion criteria provided. Collection method: clinical testing. Allele origin: germline. Not counted in ClinVar's aggregate classification.
Comment: This variant is classified as benign based on ACMG/AMP sequence variant interpretation guidelines (Richards et al. 2015 PMID: 25741868, with internal and published modifications).

NM_004369.4(COL6A3):c.4183C>T (p.Arg1395Trp)

Gene: COL6A3 (collagen type VI alpha 3 chain; minus strand). Cytogenetic location: 2q37.3.
Variant type: single nucleotide variant.
Coding change: c.4183C>T on transcript NM_004369.4 (MANE Select); coding-DNA position 4183, C replaced by T.
Protein change: p.Arg1395Trp; replaces arginine 1395 with tryptophan.
Molecular consequence: missense variant.
Genome position (GRCh38, 1-based): chr2:237,371,834, G>A on the plus strand (C>T on the coding strand, the complement: COL6A3 is on the minus strand). VCF-style: chr2-237371834-G-A. GRCh37 (hg19) VCF-style: chr2-238280477-G-A.
Other names: p.Arg1395Trp; c.2962C>T, p.Arg988Trp (NM_057164.5); c.3565C>T, p.Arg1189Trp (NM_057165.5, NM_057167.4); c.2362C>T, p.Arg788Trp (NM_057166.5); short protein forms R1395W, R1189W, R788W, R988W.
Identifiers: ClinVar variation 235302 (VCV000235302.20), dbSNP rs73998894, ClinGen allele CA2188979.